The following is an entry in ClinVar:

NM_000036.3(AMPD1):c.791T>C (p.Leu264Pro)

Gene: AMPD1 (adenosine monophosphate deaminase 1; minus strand). Cytogenetic location: 1p13.2.
Variant type: single nucleotide variant.
Coding change: c.791T>C on transcript NM_000036.3 (MANE Select); coding-DNA position 791, T replaced by C.
Protein change: p.Leu264Pro; replaces leucine 264 with proline.
Molecular consequence: missense variant.
Genome position (GRCh38, 1-based): chr1:114,679,685, A>G on the plus strand (T>C on the coding strand, the complement: AMPD1 is on the minus strand). VCF-style: chr1-114679685-A-G. GRCh37 (hg19) VCF-style: chr1-115222306-A-G.
Other names: c.779T>C, p.Leu260Pro (NM_001172626.2); short protein forms L260P, L264P.
Identifiers: ClinVar variation 2693319 (VCV002693319.3), dbSNP rs2526357635, ClinGen allele CA341750214.

ClinVar aggregate classification (germline): Uncertain significance (1 of 4 stars; one submission).

Conditions:
Muscle AMP deaminase deficiency (MMDD). Also called: Myoadenylate deaminase deficiency, myopathy due to; Adenosine monophosphate deaminase 1 deficiency; AMP deaminase 1 deficiency; Adenosine Monophosphate Deaminase 1; ADENOSINE MONOPHOSPHATE DEAMINASE-1 DEFICIENCY, MYOPATHY DUE TO; AMPD1 DEFICIENCY. Identifiers: Orphanet 45, MedGen C3714933, MONDO:0014220, OMIM 615511.

Allele frequency attached by ClinVar (database versions not stated): gnomAD exomes below 0.00001.

Submission:

Labcorp Genetics (formerly Invitae), Labcorp
Classification: Uncertain significance for Muscle AMP deaminase deficiency. Last evaluated: 2023-11-04. Review status: criteria provided, single submitter. Criteria: Invitae Variant Classification Sherloc (09022015). Collection method: clinical testing. Allele origin: germline.
Comment: This sequence change replaces leucine, which is neutral and non-polar, with proline, which is neutral and non-polar, at codon 297 of the AMPD1 protein (p.Leu297Pro). This variant is not present in population databases (gnomAD no frequency). This variant has not been reported in the literature in individuals affected with AMPD1-related conditions. An algorithm developed to predict the effect of missense changes on protein structure and function (PolyPhen-2) suggests that this variant is likely to be disruptive. In summary, the available evidence is currently insufficient to determine the role of this variant in disease. Therefore, it has been classified as a Variant of Uncertain Significance.